The following is an entry in ClinVar:

NM_005045.4(RELN):c.576A>G (p.Leu192=)

Gene: RELN (reelin; minus strand). Cytogenetic location: 7q22.1.
Variant type: single nucleotide variant.
Coding change: c.576A>G on transcript NM_005045.4 (MANE Select); coding-DNA position 576, A replaced by G.
Protein change: p.Leu192=; no amino-acid change (leucine 192 retained).
Molecular consequence: synonymous variant.
Genome position (GRCh38, 1-based): chr7:103,753,183, T>C on the plus strand (A>G on the coding strand, the complement: RELN is on the minus strand). VCF-style: chr7-103753183-T-C. GRCh37 (hg19) VCF-style: chr7-103393630-T-C.
Other names: c.576A>G, p.Leu192= (NM_173054.3).
Identifiers: ClinVar variation 542595 (VCV000542595.45), dbSNP rs142874980, ClinGen allele CA4422539.

ClinVar aggregate classification (germline): Conflicting classifications of pathogenicity. Review status: criteria provided, conflicting classifications (1 of 4 stars). 4 submissions from 4 submitters: Uncertain significance (2); Likely benign (2). Last evaluated 2026-06-01.

Conditions:
Familial temporal lobe epilepsy 7. Identifiers: Orphanet 101046, MedGen C4225327, MONDO:0014639, OMIM 616436.
Norman-Roberts syndrome (LIS2). Also called: Lissencephaly 2 (Norman-Roberts type). Identifiers: Orphanet 89844, MedGen C0796089, MONDO:0009760, OMIM 257320.

Allele frequency attached by ClinVar (database versions not stated): TOPMed 0.00006; gnomAD 0.00009 and 0.00011; ESP Exome Variant Server 0.00015; gnomAD exomes 0.00019 and 0.00024; ExAC 0.00024.
gnomAD v4.1: 287 of 1,613,972 alleles (0.018%); highest among the groups gnomAD compares: South Asian, 0.14%; 1 homozygote.

Submissions (4):

CeGaT Center for Human Genetics Tuebingen
Classification: Likely benign. Last evaluated: 2026-06-01. Review status: criteria provided, single submitter. Criteria: CeGaT Center For Human Genetics Tuebingen Variant Classification Criteria Version 2. Collection method: clinical testing. Allele origin: germline. Affected: yes. Observed: 5 variant alleles.
Comment: RELN: BP4, BP7

Labcorp Genetics (formerly Invitae), Labcorp
Classification: Uncertain significance for Familial temporal lobe epilepsy 7; Norman-Roberts syndrome. Last evaluated: 2025-12-26. Review status: criteria provided, single submitter. Criteria: Invitae Variant Classification Sherloc (09022015). Collection method: clinical testing. Allele origin: germline.
Comment: This sequence change affects codon 192 of the RELN mRNA. It is a 'silent' change, meaning that it does not change the encoded amino acid sequence of the RELN protein. It affects a nucleotide within the consensus splice site. This variant is present in population databases (rs142874980, gnomAD 0.1%). This variant has not been reported in the literature in individuals affected with RELN-related conditions. ClinVar contains an entry for this variant (Variation ID: 542595). Algorithms developed to predict the effect of sequence changes on RNA splicing suggest that this variant is not likely to affect RNA splicing. In summary, the available evidence is currently insufficient to determine the role of this variant in disease. Therefore, it has been classified as a Variant of Uncertain Significance.

Blueprint Genetics
Classification: Likely benign. Last evaluated: 2024-11-06. Review status: criteria provided, single submitter. Criteria: ACMG Guidelines, 2015. Collection method: clinical testing. Allele origin: germline.

Illumina Laboratory Services, Illumina
Classification: Uncertain significance for Norman-Roberts syndrome. Last evaluated: 2018-01-13. Review status: criteria provided, single submitter. Criteria: ICSL Variant Classification Criteria 13 December 2019. Collection method: clinical testing. Allele origin: germline.